The following is an entry in ClinVar:

ClinVar aggregate classification (germline): Uncertain significance (1 of 4 stars; one submission).

Conditions:
Ullrich congenital muscular dystrophy 2 (UCMD2). Identifiers: Orphanet 75840, MedGen C4225314, MONDO:0014654, OMIM 616470.
Bethlem myopathy 2 (BTHLM2). Identifiers: Orphanet 536516, Orphanet 610, MedGen C4225313, MONDO:0034022, OMIM 616471.

Submission:

Labcorp Genetics (formerly Invitae), Labcorp
Classification: Uncertain significance for Bethlem myopathy 2; Ullrich congenital muscular dystrophy 2. Last evaluated: 2022-07-06. Review status: criteria provided, single submitter. Criteria: Invitae Variant Classification Sherloc (09022015). Collection method: clinical testing. Allele origin: germline.
Comment: In summary, the available evidence is currently insufficient to determine the role of this variant in disease. Therefore, it has been classified as a Variant of Uncertain Significance. Algorithms developed to predict the effect of missense changes on protein structure and function (SIFT, PolyPhen-2, Align-GVGD) all suggest that this variant is likely to be tolerated. ClinVar contains an entry for this variant (Variation ID: 1350605). This variant has not been reported in the literature in individuals affected with COL12A1-related conditions. This variant is not present in population databases (gnomAD no frequency). This sequence change replaces threonine, which is neutral and polar, with serine, which is neutral and polar, at codon 1631 of the COL12A1 protein (p.Thr1631Ser).

NM_004370.6(COL12A1):c.4891A>T (p.Thr1631Ser)

Gene: COL12A1 (collagen type XII alpha 1 chain; minus strand). Cytogenetic location: 6q13.
Variant type: single nucleotide variant.
Coding change: c.4891A>T on transcript NM_004370.6 (MANE Select); coding-DNA position 4891, A replaced by T.
Protein change: p.Thr1631Ser; replaces threonine 1631 with serine.
Molecular consequence: missense variant.
Genome position (GRCh38, 1-based): chr6:75,142,098, T>A on the plus strand (A>T on the coding strand, the complement: COL12A1 is on the minus strand). VCF-style: chr6-75142098-T-A. GRCh37 (hg19) VCF-style: chr6-75851814-T-A.
Other names: c.1399A>T, p.Thr467Ser (NM_080645.3); short protein forms T1631S, T467S.
Identifiers: ClinVar variation 1350605 (VCV001350605.8), dbSNP rs773883741, ClinGen allele CA364740727.